The following is an entry in ClinVar:

ClinVar aggregate classification (germline): Uncertain significance. Review status: criteria provided, multiple submitters, no conflicts (2 of 4 stars). 2 submissions from 2 submitters: Uncertain significance (2). Last evaluated 2026-01-19.

Conditions:
Paroxysmal nonkinesigenic dyskinesia. Also called: Paroxysmal non-kinesigenic dyskinesia. Identifiers: Orphanet 98810, MedGen C1869117, MONDO:0700088.
Paroxysmal nonkinesigenic dyskinesia 1 (PNKD1). Also called: MOUNT-REBACK SYNDROME; Nonkinesigenic choreoathetosis; Familial paroxysmal choreoathetosis; Familial Paroxysmal Nonkinesigenic Dyskinesia; PAROXYSMAL DYSTONIC CHOREOATHETOSIS; DYSTONIA 8. Identifiers: Orphanet 98810, MedGen C4551506, MONDO:0700089, OMIM 118800, MONDO:0007326.

Allele frequency attached by ClinVar (database versions not stated): gnomAD exomes 0.00001; TOPMed 0.00001; ExAC 0.00002; gnomAD 0.00002; ESP Exome Variant Server 0.00008.
gnomAD v4.1: 13 of 1,613,744 alleles (0.00081%); highest among the groups gnomAD compares: Admixed American, 0.0033%; no homozygotes.

Submissions (2):

Labcorp Genetics (formerly Invitae), Labcorp
Classification: Uncertain significance for Paroxysmal nonkinesigenic dyskinesia. Last evaluated: 2026-01-19. Review status: criteria provided, single submitter. Criteria: Invitae Variant Classification Sherloc (09022015). Collection method: clinical testing. Allele origin: germline.
Comment: This sequence change replaces arginine, which is basic and polar, with glutamine, which is neutral and polar, at codon 377 of the PNKD protein (p.Arg377Gln). This variant is present in population databases (rs148141539, gnomAD 0.003%). This variant has not been reported in the literature in individuals affected with PNKD-related conditions. ClinVar contains an entry for this variant (Variation ID: 582035). Invitae Evidence Modeling of protein sequence and biophysical properties (such as structural, functional, and spatial information, amino acid conservation, physicochemical variation, residue mobility, and thermodynamic stability) indicates that this missense variant is not expected to disrupt PNKD protein function with a negative predictive value of 80%. In summary, the available evidence is currently insufficient to determine the role of this variant in disease. Therefore, it has been classified as a Variant of Uncertain Significance.

Illumina Laboratory Services, Illumina
Classification: Uncertain significance for Paroxysmal nonkinesigenic dyskinesia 1. Last evaluated: 2018-01-13. Review status: criteria provided, single submitter. Criteria: ICSL Variant Classification Criteria 13 December 2019. Collection method: clinical testing. Allele origin: germline.

NM_015488.5(PNKD):c.1130G>A (p.Arg377Gln)

Genes: CATIP-AS2 (CATIP antisense RNA 2; minus strand), PNKD (PNKD metallo-beta-lactamase domain containing; plus strand). Cytogenetic location: 2q35.
Variant type: single nucleotide variant.
Coding change: c.1130G>A on transcript NM_015488.5 (MANE Select); coding-DNA position 1130, G replaced by A.
Protein change: p.Arg377Gln; replaces arginine 377 with glutamine.
Molecular consequence: missense variant.
Genome position (GRCh38, 1-based): chr2:218,344,953, G>A. VCF-style: chr2-218344953-G-A. GRCh37 (hg19) VCF-style: chr2-219209676-G-A.
Other names: c.1058G>A, p.Arg353Gln (NM_022572.5); short protein forms R377Q, R353Q.
Identifiers: ClinVar variation 582035 (VCV000582035.10), dbSNP rs148141539, ClinGen allele CA2104214.